The following is an entry in ClinVar:

NM_001128178.3(NPHP1):c.1786A>G (p.Thr596Ala)

Gene: NPHP1 (nephrocystin 1; minus strand). Cytogenetic location: 2q13.
Variant type: single nucleotide variant.
Coding change: c.1786A>G on transcript NM_001128178.3 (MANE Select); coding-DNA position 1786, A replaced by G.
Protein change: p.Thr596Ala; replaces threonine 596 with alanine.
Molecular consequence: missense variant. On other transcripts: 3 prime UTR variant (1).
Genome position (GRCh38, 1-based): chr2:110,124,039, T>C on the plus strand (A>G on the coding strand, the complement: NPHP1 is on the minus strand). VCF-style: chr2-110124039-T-C. GRCh37 (hg19) VCF-style: chr2-110881616-T-C.
Other names: c.1954A>G, p.Thr652Ala (NM_000272.5); c.1597A>G, p.Thr533Ala (NM_001128179.3); c.1783A>G, p.Thr595Ala (NM_001374256.1); c.*28A>G (NM_001374257.1); c.1951A>G, p.Thr651Ala (NM_207181.4); short protein forms T533A, T595A, T596A, T651A, T652A.
Identifiers: ClinVar variation 3360998 (VCV003360998.1).
Genomic context (GRCh38, chr2:110,124,039, plus strand): 5'-GGGGTAGGCGTGTGGAGTGGAGAAGTGGGAGCACGCAGTCATGGTAAACCAGGAGAAACG[T>C]GGACTTCAGGAACTCTTTGTCTCTCTGGGAAAACACCACCCCCACAAATAACATTGTTAT-3'
Protein context (NP_001121650.1, residues 586-606): EKRDKEFLKS[Thr596Ala]FLLVYHDCVL

ClinVar aggregate classification (germline): Uncertain significance (1 of 4 stars; one submission).

gnomAD v4.1: 3 of 1,614,026 alleles (0.00019%); highest among the groups gnomAD compares: African/African-American, 0.004%; no homozygotes.

Submission:

GeneDx
Classification: Uncertain significance. Last evaluated: 2023-07-19. Review status: criteria provided, single submitter. Criteria: GeneDx Variant Classification Process June 2021. Collection method: clinical testing. Allele origin: germline. Affected: yes.
Comment: Not observed at significant frequency in large population cohorts (gnomAD); In silico analysis supports that this missense variant does not alter protein structure/function; Has not been previously published as pathogenic or benign to our knowledge